The following is an entry in ClinVar:

ClinVar aggregate classification (germline): Likely benign (0 of 4 stars; one submission).

Conditions:
EP300-related disorder. Also called: EP300-related disorders; EP300-related condition.

gnomAD v4.1: 1 of 1,613,820 alleles (0.000062%); highest among the groups gnomAD compares: African/African-American, 0.0013%; no homozygotes.

Submission:

PreventionGenetics, part of Exact Sciences
Classification: Likely benign for EP300-related condition. Last evaluated: 2022-12-15. Review status: no assertion criteria provided. Collection method: clinical testing. Allele origin: germline.
Comment: This variant is classified as likely benign based on ACMG/AMP sequence variant interpretation guidelines (Richards et al. 2015 PMID: 25741868, with internal and published modifications).

NM_001429.4(EP300):c.1623C>T (p.Asn541=)

Gene: EP300 (E1A binding protein p300; plus strand). Cytogenetic location: 22q13.2.
Variant type: single nucleotide variant.
Coding change: c.1623C>T on transcript NM_001429.4 (MANE Select); coding-DNA position 1623, C replaced by T.
Protein change: p.Asn541=; no amino-acid change (asparagine 541 retained).
Molecular consequence: synonymous variant.
Genome position (GRCh38, 1-based): chr22:41,137,653, C>T. VCF-style: chr22-41137653-C-T. GRCh37 (hg19) VCF-style: chr22-41533657-C-T.
Other names: c.1623C>T, p.Asn541= (NM_001362843.2).
Identifiers: ClinVar variation 3356846 (VCV003356846.1).